The following is an entry in ClinVar:

ClinVar aggregate classification (germline): Pathogenic. Review status: criteria provided, single submitter (1 of 4 stars). 2 submissions from 2 submitters: Pathogenic (1). 1 of the submissions does not count toward it. Last evaluated 2026-02-13.

Conditions:
Hereditary cancer-predisposing syndrome. Also called: Hereditary Cancer Syndrome; Hereditary neoplastic syndrome; Neoplastic Syndromes, Hereditary; Tumor predisposition. Identifiers: Orphanet 140162, MedGen C0027672, MeSH D009386, MONDO:0015356.
Tuberous sclerosis syndrome (TSC). Also called: Tuberous Sclerosis Complex; Tuberous sclerosis. Identifiers: Orphanet 805, MedGen C0041341, MONDO:0001734.

Allele frequency attached by ClinVar (database versions not stated): gnomAD exomes below 0.00001; ExAC 0.00001.
gnomAD v4.1: 1 of 1,613,990 alleles (0.000062%); highest among the groups gnomAD compares: Non-Finnish European, 0.000085%; no homozygotes.

Submissions (2):

Ambry Genetics
Classification: Pathogenic for Hereditary cancer-predisposing syndrome. Last evaluated: 2026-02-13. Review status: criteria provided, single submitter. Criteria: Ambry Variant Classification Scheme 2023. Collection method: clinical testing. Allele origin: germline.
Comment: The c.2041G>A pathogenic mutation(also known as p.G681S), located in coding exon 14 of the TSC1 gene, results from a G to A substitution at nucleotide position 2041. The amino acid change results in glycine to serine at codon 681, an amino acid with similar properties. This variant was reported in individual(s) with features consistent with TSC1-associated disease (personal communication). However, this change occurs in the last base pair of coding exon 14, which makes it likely to have some effect on normal mRNA splicing. This amino acid position is highly conserved in available vertebrate species. In silico splice site analysis predicts that this alteration will weaken the native splice donor site. RNA studies have demonstrated this alteration results in abnormal splicing in the set of samples tested (Ambry internal data). Based on the majority of available evidence to date, this variant is interpreted as a disease-causing mutation.

Tuberous sclerosis database (TSC1)
No classification provided. Condition: TSC. Review status: no classification provided. Criteria: Tuberous Sclerosis Database Assertion Criteria 2015. Collection method: curation. Allele origin: germline. Affected: yes. Not counted in ClinVar's aggregate classification.

Literature cited by the submitters: PubMed 10533066 (cited by Ambry Genetics); PubMed 17304050 (cited by Ambry Genetics); PubMed 23389244 (cited by Ambry Genetics).

NM_000368.5(TSC1):c.2041G>A (p.Gly681Ser)

Gene: TSC1 (TSC complex subunit 1; minus strand). Cytogenetic location: 9q34.13.
Variant type: single nucleotide variant.
Coding change: c.2041G>A on transcript NM_000368.5 (MANE Select); coding-DNA position 2041, G replaced by A.
Protein change: p.Gly681Ser; replaces glycine 681 with serine.
Molecular consequence: missense variant.
Genome position (GRCh38, 1-based): chr9:132,904,411, C>T on the plus strand (G>A on the coding strand, the complement: TSC1 is on the minus strand). VCF-style: chr9-132904411-C-T. GRCh37 (hg19) VCF-style: chr9-135779798-C-T.
Other names: c.2038G>A, p.Gly680Ser (NM_001162426.2); c.1888G>A, p.Gly630Ser (NM_001162427.2); c.1678G>A, p.Gly560Ser (NM_001362177.2); short protein forms G681S, G680S, G560S, G630S.
Identifiers: ClinVar variation 48880 (VCV000048880.5), dbSNP rs118203624, ClinGen allele CA005830.